The following is an entry in ClinVar:

ClinVar aggregate classification (germline): Likely benign (1 of 4 stars; one submission).

gnomAD v4.1: 800 of 1,613,702 alleles (0.05%); highest among the groups gnomAD compares: African/African-American, 0.97%; 3 homozygotes.

Submission:

CeGaT Center for Human Genetics Tuebingen
Classification: Likely benign. Last evaluated: 2025-12-01. Review status: criteria provided, single submitter. Criteria: CeGaT Center For Human Genetics Tuebingen Variant Classification Criteria Version 2. Collection method: clinical testing. Allele origin: germline. Affected: yes. Observed: 1 variant allele.
Comment: ATP9A: BP4, BP7

NM_006045.3(ATP9A):c.621G>A (p.Thr207=)

Gene: ATP9A (ATPase phospholipid transporting 9A; minus strand). Cytogenetic location: 20q13.2.
Variant type: single nucleotide variant.
Coding change: c.621G>A on transcript NM_006045.3 (MANE Select); coding-DNA position 621, G replaced by A.
Protein change: p.Thr207=; no amino-acid change (threonine 207 retained).
Molecular consequence: synonymous variant.
Genome position (GRCh38, 1-based): chr20:51,694,029, C>T on the plus strand (G>A on the coding strand, the complement: ATP9A is on the minus strand). VCF-style: chr20-51694029-C-T. GRCh37 (hg19) VCF-style: chr20-50310568-C-T.
Identifiers: ClinVar variation 4681442 (VCV004681442.5).